The following is an entry in ClinVar:

ClinVar aggregate classification (germline): Likely pathogenic (1 of 4 stars; one submission).

Submission:

GeneDx
Classification: Likely pathogenic. Last evaluated: 2023-09-25. Review status: criteria provided, single submitter. Criteria: GeneDx Variant Classification Process June 2021. Collection method: clinical testing. Allele origin: germline. Affected: yes.
Comment: Not observed at significant frequency in large population cohorts (gnomAD); In silico analysis supports that this missense variant has a deleterious effect on protein structure/function; This variant is associated with the following publications: (PMID: 35599849)

NM_001367534.1(CAMK2G):c.889C>T (p.Arg297Trp)

Gene: CAMK2G (calcium/calmodulin dependent protein kinase II gamma; minus strand). Cytogenetic location: 10q22.2.
Variant type: single nucleotide variant.
Coding change: c.889C>T on transcript NM_001367534.1 (MANE Select); coding-DNA position 889, C replaced by T.
Protein change: p.Arg297Trp; replaces arginine 297 with tryptophan.
Molecular consequence: missense variant. On other transcripts: non-coding transcript variant (8).
Genome position (GRCh38, 1-based): chr10:73,842,472, G>A on the plus strand (C>T on the coding strand, the complement: CAMK2G is on the minus strand). VCF-style: chr10-73842472-G-A. GRCh37 (hg19) VCF-style: chr10-75602230-G-A.
Other names: c.889C>T, p.Arg297Trp (NM_001204492.2, NM_001222.4, NM_001320898.2 and 28 more transcripts); c.865C>T, p.Arg289Trp (NM_001367514.1, NM_001367525.1, NM_001367532.1); c.643C>T, p.Arg215Trp (NM_001367524.1, NM_001367539.1); c.577C>T, p.Arg193Trp (NM_001367537.1, NM_001367538.1); c.223C>T, p.Arg75Trp (NM_001367540.1); c.136C>T, p.Arg46Trp (NM_001367542.1); short protein forms R193W, R215W, R289W, R297W, R46W, R75W.
Identifiers: ClinVar variation 2580804 (VCV002580804.1), dbSNP rs2548411405, ClinGen allele CA377244762.